The following is an entry in ClinVar:

NM_000245.4(MET):c.2983A>G (p.Met995Val)

Gene: MET (MET proto-oncogene, receptor tyrosine kinase; plus strand). Cytogenetic location: 7q31.2.
Variant type: single nucleotide variant.
Coding change: c.2983A>G on transcript NM_000245.4 (MANE Select); coding-DNA position 2983, A replaced by G.
Protein change: p.Met995Val; replaces methionine 995 with valine.
Molecular consequence: missense variant.
Genome position (GRCh38, 1-based): chr7:116,771,944, A>G. VCF-style: chr7-116771944-A-G. GRCh37 (hg19) VCF-style: chr7-116411998-A-G.
Other names: c.3037A>G, p.Met1013Val (NM_001127500.3); c.1693A>G, p.Met565Val (NM_001324402.2); short protein forms M1013V, M565V, M995V.
Identifiers: ClinVar variation 948883 (VCV000948883.15), dbSNP rs1794849768, ClinGen allele CA368987301.

ClinVar aggregate classification (germline): Uncertain significance. Review status: criteria provided, multiple submitters, no conflicts (2 of 4 stars). 4 submissions from 4 submitters: Uncertain significance (4). Last evaluated 2025-05-25.

Conditions:
Hereditary cancer-predisposing syndrome. Also called: Hereditary neoplastic syndrome; Neoplastic Syndromes, Hereditary; Tumor predisposition; Hereditary Cancer Syndrome. Identifiers: Orphanet 140162, MedGen C0027672, MeSH D009386, MONDO:0015356.
Autosomal recessive nonsyndromic hearing loss 97. Also called: Deafness, autosomal recessive 97. Identifiers: Orphanet 90636, MedGen C4084709, MONDO:0014739, OMIM 616705.
Renal cell carcinoma. Identifiers: Orphanet 217071, MedGen C0007134, MeSH D002292, MONDO:0005086, HP:0005584.

Submissions (4):

Labcorp Genetics (formerly Invitae), Labcorp
Classification: Uncertain significance for Renal cell carcinoma. Last evaluated: 2025-05-25. Review status: criteria provided, single submitter. Criteria: Invitae Variant Classification Sherloc (09022015). Collection method: clinical testing. Allele origin: germline.
Comment: This sequence change replaces methionine, which is neutral and non-polar, with valine, which is neutral and non-polar, at codon 1013 of the MET protein (p.Met1013Val). This variant is not present in population databases (gnomAD no frequency). This variant has not been reported in the literature in individuals affected with MET-related conditions. ClinVar contains an entry for this variant (Variation ID: 948883). Invitae Evidence Modeling of protein sequence and biophysical properties (such as structural, functional, and spatial information, amino acid conservation, physicochemical variation, residue mobility, and thermodynamic stability) indicates that this missense variant is not expected to disrupt MET protein function with a negative predictive value of 80%. In summary, the available evidence is currently insufficient to determine the role of this variant in disease. Therefore, it has been classified as a Variant of Uncertain Significance.

Ambry Genetics
Classification: Uncertain significance for Hereditary cancer-predisposing syndrome. Last evaluated: 2025-01-29. Review status: criteria provided, single submitter. Criteria: Ambry Variant Classification Scheme 2023. Collection method: clinical testing. Allele origin: germline.
Comment: The p.M1013V variant (also known as c.3037A>G), located in coding exon 13 of the MET gene, results from an A to G substitution at nucleotide position 3037. The methionine at codon 1013 is replaced by valine, an amino acid with highly similar properties. This amino acid position is highly conserved in available vertebrate species. In addition, the in silico prediction for this alteration is inconclusive. Based on the available evidence, the clinical significance of this variant remains unclear.

Baylor Genetics
Classification: Uncertain significance for Autosomal recessive nonsyndromic hearing loss 97. Last evaluated: 2024-03-10. Review status: criteria provided, single submitter. Criteria: ACMG Guidelines, 2015. Collection method: clinical testing. Allele origin: unknown.

GeneDx
Classification: Uncertain significance. Last evaluated: 2024-01-08. Review status: criteria provided, single submitter. Criteria: GeneDx Variant Classification Process June 2021. Collection method: clinical testing. Allele origin: germline. Affected: yes.
Comment: Not observed at significant frequency in large population cohorts (gnomAD); In silico analysis supports that this missense variant does not alter protein structure/function; Has not been previously published as pathogenic or benign to our knowledge